The following is an entry in ClinVar:

NM_002529.4(NTRK1):c.616G>A (p.Asp206Asn)

Gene: NTRK1 (neurotrophic receptor tyrosine kinase 1; plus strand). Cytogenetic location: 1q23.1.
Variant type: single nucleotide variant.
Coding change: c.616G>A on transcript NM_002529.4 (MANE Select); coding-DNA position 616, G replaced by A.
Protein change: p.Asp206Asn; replaces aspartic acid 206 with asparagine.
Molecular consequence: missense variant.
Genome position (GRCh38, 1-based): chr1:156,868,546, G>A. VCF-style: chr1-156868546-G-A. GRCh37 (hg19) VCF-style: chr1-156838338-G-A.
Other names: c.616G>A, p.Asp206Asn (NM_001007204.1, NM_001012331.2); c.526G>A, p.Asp176Asn (NM_001007792.1); short protein forms D176N, D206N.
Identifiers: ClinVar variation 1751999 (VCV001751999.2), dbSNP rs374361068, ClinGen allele CA31108900.

ClinVar aggregate classification (germline): Uncertain significance (1 of 4 stars; one submission).

Conditions:
Inborn genetic diseases. Identifiers: MedGen C0950123, MeSH D030342.

Allele frequency attached by ClinVar (database versions not stated): TOPMed below 0.00001; ESP Exome Variant Server 0.00008.

Submission:

Ambry Genetics
Classification: Uncertain significance for Inborn genetic diseases. Last evaluated: 2021-01-11. Review status: criteria provided, single submitter. Criteria: Ambry Variant Classification Scheme 2023. Collection method: clinical testing. Allele origin: germline.
Comment: The p.D206N variant (also known as c.616G>A), located in coding exon 6 of the NTRK1 gene, results from a G to A substitution at nucleotide position 616. The aspartic acid at codon 206 is replaced by asparagine, an amino acid with highly similar properties. This amino acid position is not well conserved in available vertebrate species, and asparagine is the reference amino acid in other vertebrate species. In addition, this alteration is predicted to be tolerated by in silico analysis. Since supporting evidence is limited at this time, the clinical significance of this alteration remains unclear.